The following is an entry in ClinVar:

ClinVar aggregate classification (germline): Uncertain significance (1 of 4 stars; one submission).

Conditions:
Fanconi anemia (FA). Also called: Fanconi's anemia. Identifiers: Orphanet 84, MedGen C0015625, MeSH D005199, MONDO:0019391.

Submission:

Labcorp Genetics (formerly Invitae), Labcorp
Classification: Uncertain significance for Fanconi anemia. Last evaluated: 2021-08-27. Review status: criteria provided, single submitter. Criteria: Invitae Variant Classification Sherloc (09022015). Collection method: clinical testing. Allele origin: germline.
Comment: This sequence change replaces arginine with glycine at codon 1253 of the FANCA protein (p.Arg1253Gly). The arginine residue is moderately conserved and there is a moderate physicochemical difference between arginine and glycine. This variant is not present in population databases (ExAC no frequency). This variant has not been reported in the literature in individuals affected with FANCA-related conditions. Advanced modeling of protein sequence and biophysical properties (such as structural, functional, and spatial information, amino acid conservation, physicochemical variation, residue mobility, and thermodynamic stability) performed at Invitae indicates that this missense variant is not expected to disrupt FANCA protein function. In summary, the available evidence is currently insufficient to determine the role of this variant in disease. Therefore, it has been classified as a Variant of Uncertain Significance.

NM_000135.4(FANCA):c.3757A>G (p.Arg1253Gly)

Gene: FANCA (FA complementation group A; minus strand). Cytogenetic location: 16q24.3.
Variant type: single nucleotide variant.
Coding change: c.3757A>G on transcript NM_000135.4 (MANE Select); coding-DNA position 3757, A replaced by G.
Protein change: p.Arg1253Gly; replaces arginine 1253 with glycine.
Molecular consequence: missense variant.
Genome position (GRCh38, 1-based): chr16:89,742,808, T>C on the plus strand (A>G on the coding strand, the complement: FANCA is on the minus strand). VCF-style: chr16-89742808-T-C. GRCh37 (hg19) VCF-style: chr16-89809216-T-C.
Other names: c.3757A>G, p.Arg1253Gly (NM_001286167.3); short protein forms R1253G.
Identifiers: ClinVar variation 1422240 (VCV001422240.5), dbSNP rs2143060537, ClinGen allele CA397485289.